The following is an entry in ClinVar:

NM_015693.4(INTU):c.1085T>C (p.Val362Ala)

Gene: INTU (inturned planar cell polarity protein; plus strand). Cytogenetic location: 4q28.1.
Variant type: single nucleotide variant.
Coding change: c.1085T>C on transcript NM_015693.4 (MANE Select); coding-DNA position 1085, T replaced by C.
Protein change: p.Val362Ala; replaces valine 362 with alanine.
Molecular consequence: missense variant.
Genome position (GRCh38, 1-based): chr4:127,669,148, T>C. VCF-style: chr4-127669148-T-C. GRCh37 (hg19) VCF-style: chr4-128590303-T-C.
Other names: short protein forms V362A.
Identifiers: ClinVar variation 3010080 (VCV003010080.3), dbSNP rs1728815957, ClinGen allele CA358142365.
Genomic context (GRCh38, chr4:127,669,148, plus strand): 5'-GTGTGAGAGGGATTTTTCTCACACTCTGTGACATGCTGGAAAACGTAACTGGGACACAAG[T>C]TACTAGGTAATAATTTTTATTTAGCTTTAATTCTGTTTTTTTCAAGTTCTTTTATTTCAC-3'
Protein context (NP_056508.2, residues 352-372): DMLENVTGTQ[Val362Ala]TSSSLLLNGK

ClinVar aggregate classification (germline): Uncertain significance (1 of 4 stars; one submission).

Allele frequency attached by ClinVar (database versions not stated): gnomAD 0.00001; TOPMed 0.00001.

Submission:

Labcorp Genetics (formerly Invitae), Labcorp
Classification: Uncertain significance. Last evaluated: 2024-02-13. Review status: criteria provided, single submitter. Criteria: Invitae Variant Classification Sherloc (09022015). Collection method: clinical testing. Allele origin: germline.
Comment: This sequence change replaces valine, which is neutral and non-polar, with alanine, which is neutral and non-polar, at codon 362 of the INTU protein (p.Val362Ala). This variant is not present in population databases (gnomAD no frequency). This variant has not been reported in the literature in individuals affected with INTU-related conditions. Advanced modeling of protein sequence and biophysical properties (such as structural, functional, and spatial information, amino acid conservation, physicochemical variation, residue mobility, and thermodynamic stability) performed at Invitae indicates that this missense variant is not expected to disrupt INTU protein function with a negative predictive value of 80%. In summary, the available evidence is currently insufficient to determine the role of this variant in disease. Therefore, it has been classified as a Variant of Uncertain Significance.